The following is an entry in ClinVar:

ClinVar aggregate classification (germline): Uncertain significance (1 of 4 stars; one submission).

Conditions:
Seizures, benign familial infantile, 3 (BFIS3). Also called: CONVULSIONS, BENIGN FAMILIAL INFANTILE, 3; Familial neonatal seizures. Identifiers: Orphanet 140927, Orphanet 306, MedGen C1843140, MONDO:0011904, OMIM 607745.
Developmental and epileptic encephalopathy, 11 (DEE11). Also called: Early infantile epileptic encephalopathy 11. Identifiers: Orphanet 1934, MedGen C3150987, MONDO:0013388, OMIM 613721.

Submission:

Labcorp Genetics (formerly Invitae), Labcorp
Classification: Uncertain significance for Seizures, benign familial infantile, 3; Developmental and epileptic encephalopathy, 11. Last evaluated: 2022-10-17. Review status: criteria provided, single submitter. Criteria: Invitae Variant Classification Sherloc (09022015). Collection method: clinical testing. Allele origin: germline.
Comment: This sequence change replaces alanine, which is neutral and non-polar, with glycine, which is neutral and non-polar, at codon 1631 of the SCN2A protein (p.Ala1631Gly). This missense change has been observed in individual(s) with SCN2A-related conditions (Invitae). This variant is not present in population databases (gnomAD no frequency). In summary, the available evidence is currently insufficient to determine the role of this variant in disease. Therefore, it has been classified as a Variant of Uncertain Significance. Advanced modeling of protein sequence and biophysical properties (such as structural, functional, and spatial information, amino acid conservation, physicochemical variation, residue mobility, and thermodynamic stability) performed at Invitae indicates that this missense variant is expected to disrupt SCN2A protein function. ClinVar contains an entry for this variant (Variation ID: 642921).

NM_001040142.2(SCN2A):c.4892C>G (p.Ala1631Gly)

Gene: SCN2A (sodium voltage-gated channel alpha subunit 2; plus strand). Cytogenetic location: 2q24.3.
Variant type: single nucleotide variant.
Coding change: c.4892C>G on transcript NM_001040142.2 (MANE Select); coding-DNA position 4892, C replaced by G.
Protein change: p.Ala1631Gly; replaces alanine 1631 with glycine.
Molecular consequence: missense variant.
Genome position (GRCh38, 1-based): chr2:165,388,698, C>G. VCF-style: chr2-165388698-C-G. GRCh37 (hg19) VCF-style: chr2-166245208-C-G.
Other names: c.4892C>G, p.Ala1631Gly (NM_001040143.2, NM_001371246.1, NM_001371247.1 and 1 more transcripts); short protein forms A1631G.
Identifiers: ClinVar variation 642921 (VCV000642921.9), dbSNP rs1574751493, ClinGen allele CA349037726.